The following is an entry in ClinVar:

NM_000465.4(BARD1):c.242C>G (p.Thr81Ser)

Gene: BARD1 (BRCA1 associated RING domain 1; minus strand). Cytogenetic location: 2q35.
Variant type: single nucleotide variant.
Coding change: c.242C>G on transcript NM_000465.4 (MANE Select); coding-DNA position 242, C replaced by G.
Protein change: p.Thr81Ser; replaces threonine 81 with serine.
Molecular consequence: missense variant. On other transcripts: non-coding transcript variant (1), intron variant (2).
Genome position (GRCh38, 1-based): chr2:214,792,419, G>C on the plus strand (C>G on the coding strand, the complement: BARD1 is on the minus strand). VCF-style: chr2-214792419-G-C. GRCh37 (hg19) VCF-style: chr2-215657143-G-C.
Other names: c.185C>G, p.Thr62Ser (NM_001282543.2); c.242C>G, p.Thr81Ser (NM_001282549.2); c.158+16993C>G (NM_001282548.2); c.215+4642C>G (NM_001282545.2); short protein forms T62S, T81S.
Identifiers: ClinVar variation 1465102 (VCV001465102.11), dbSNP rs1553624824, ClinGen allele CA350461248.
Genomic context (GRCh38, chr2:214,792,419, plus strand): 5'-AGTTGTCTATTTATCTTCAAGTCTTGTATCCAGGCCGGGGTGTAACACACTGGACATCCA[G>C]TTCCAATGCAGTCACTTACACAATTACTTTAAAATAATTAAAAAAAAAAAAAAAAGCAAC-3'
Protein context (NP_000456.2, residues 71-91): CSNCVSDCIG[Thr81Ser]GCPVCYTPAW

ClinVar aggregate classification (germline): Conflicting classifications of pathogenicity. Review status: criteria provided, conflicting classifications (1 of 4 stars). 2 submissions from 2 submitters: Uncertain significance (1); Likely benign (1). Last evaluated 2025-11-24.

Conditions:
Hereditary cancer-predisposing syndrome. Also called: Tumor predisposition; Hereditary neoplastic syndrome; Hereditary Cancer Syndrome; Neoplastic Syndromes, Hereditary. Identifiers: Orphanet 140162, MedGen C0027672, MeSH D009386, MONDO:0015356.
Familial cancer of breast. Also called: Hereditary breast cancer; hereditary breast carcinoma; BREAST CANCER, FAMILIAL. Identifiers: Orphanet 227535, MedGen C0346153, MONDO:0016419, OMIM 114480. Disease mechanism: loss of function.

gnomAD v4.1: 2 of 1,597,894 alleles (0.00013%); highest among the groups gnomAD compares: Non-Finnish European, 0.00017%; no homozygotes.

Submissions (2):

Labcorp Genetics (formerly Invitae), Labcorp
Classification: Uncertain significance for Familial cancer of breast. Last evaluated: 2025-11-24. Review status: criteria provided, single submitter. Criteria: Invitae Variant Classification Sherloc (09022015). Collection method: clinical testing. Allele origin: germline.
Comment: This sequence change replaces threonine, which is neutral and polar, with serine, which is neutral and polar, at codon 81 of the BARD1 protein (p.Thr81Ser). This variant is not present in population databases (gnomAD no frequency). This variant has not been reported in the literature in individuals affected with BARD1-related conditions. ClinVar contains an entry for this variant (Variation ID: 1465102). An algorithm developed to predict the effect of missense changes on protein structure and function outputs the following: PolyPhen-2: "Benign". The serine amino acid residue is found in multiple mammalian species, which suggests that this missense change does not adversely affect protein function. In summary, the available evidence is currently insufficient to determine the role of this variant in disease. Therefore, it has been classified as a Variant of Uncertain Significance.

Ambry Genetics
Classification: Likely benign for Hereditary cancer-predisposing syndrome. Last evaluated: 2020-08-13. Review status: criteria provided, single submitter. Criteria: Ambry Variant Classification Scheme 2023. Collection method: clinical testing. Allele origin: germline.